The following is an entry in ClinVar:

ClinVar aggregate classification (germline): Uncertain significance. Review status: criteria provided, multiple submitters, no conflicts (2 of 4 stars). 4 submissions from 4 submitters: Uncertain significance (3). 1 of the submissions does not count toward it. Last evaluated 2025-10-29.

Conditions:
Brain small vessel disease 1 with or without ocular anomalies (BSVD1). Also called: PORENCEPHALY, TYPE 1, AUTOSOMAL DOMINANT; BRAIN SMALL VESSEL DISEASE WITH HEMORRHAGE; GOULD SYNDROME 1; Brain small vessel disease with or without ocular anomalies. Identifiers: Orphanet 2940, Orphanet 36383, Orphanet 99810, MedGen C4755307, MONDO:0008289, OMIM 175780.
Retinal arterial tortuosity. Also called: RETINAL HEMORRHAGE WITH VASCULAR TORTUOSITY; Retinal arteries, tortuosity of. Identifiers: Orphanet 75326, MedGen C0423401, MONDO:0008373, OMIM 180000, HP:0000631.
Microangiopathy and leukoencephalopathy, pontine, autosomal dominant. Also called: Pontine autosomal dominant microangiopathy with leukoencephalopathy; DEMENTIA, HEREDITARY MULTI-INFARCT, SWEDISH TYPE. Identifiers: Orphanet 477749, MedGen C5231411, MONDO:0032814, OMIM 618564.
Autosomal dominant familial hematuria-retinal arteriolar tortuosity-contractures syndrome. Also called: Angiopathy, hereditary, with nephropathy, aneurysms, and muscle cramps; Hereditary Angiopathy with Nephropathy, Aneurysms, and Muscle Cramps (HANAC) Syndrome. Identifiers: Orphanet 73229, MedGen C2673195, MONDO:0012726, OMIM 611773.
Hemorrhage, intracerebral, susceptibility to (ICH). Also called: Stroke, hemorrhagic, susceptibility to. Identifiers: MedGen C3281105, MONDO:0100533, OMIM 614519.
Congenital anomaly of kidney and urinary tract. Also called: Congenital anomalies of kidney and urinary tract; Congenital anomalies of the kidney and urinary tract. Identifiers: Orphanet 93545, MedGen C1968949, MeSH C566906, MONDO:0019719.

Allele frequency attached by ClinVar (database versions not stated): gnomAD exomes 0.00008 and 0.00006; ExAC 0.00010; gnomAD 0.00002; TOPMed 0.00002.
gnomAD v4.1: 112 of 1,612,116 alleles (0.0069%); highest among the groups gnomAD compares: Non-Finnish European, 0.0085%; no homozygotes.

Submissions (4):

Labcorp Genetics (formerly Invitae), Labcorp
Classification: Uncertain significance. Last evaluated: 2025-10-29. Review status: criteria provided, single submitter. Criteria: Invitae Variant Classification Sherloc (09022015). Collection method: clinical testing. Allele origin: germline.
Comment: This sequence change replaces proline, which is neutral and non-polar, with leucine, which is neutral and non-polar, at codon 1224 of the COL4A1 protein (p.Pro1224Leu). This variant is present in population databases (rs775810147, gnomAD 0.01%). This variant has not been reported in the literature in individuals affected with COL4A1-related conditions. ClinVar contains an entry for this variant (Variation ID: 1344677). Invitae Evidence Modeling of protein sequence and biophysical properties (such as structural, functional, and spatial information, amino acid conservation, physicochemical variation, residue mobility, and thermodynamic stability) indicates that this missense variant is not expected to disrupt COL4A1 protein function with a negative predictive value of 80%. In summary, the available evidence is currently insufficient to determine the role of this variant in disease. Therefore, it has been classified as a Variant of Uncertain Significance.

Fulgent Genetics
Classification: Uncertain significance for Brain small vessel disease 1 with or without ocular anomalies; Retinal arterial tortuosity; Autosomal dominant familial hematuria-retinal arteriolar tortuosity-contractures syndrome; Hemorrhage, intracerebral, susceptibility to; Microangiopathy and leukoencephalopathy, pontine, autosomal dominant. Last evaluated: 2024-05-28. Review status: criteria provided, single submitter. Criteria: ACMG Guidelines, 2015. Collection method: clinical testing. Allele origin: germline.

Women's Health and Genetics/Laboratory Corporation of America, LabCorp
Classification: Uncertain significance. Last evaluated: 2024-03-01. Review status: criteria provided, single submitter. Criteria: LabCorp Variant Classification Summary - May 2015. Collection method: clinical testing. Allele origin: germline.
Comment: Variant summary: COL4A1 c.3671C>T (p.Pro1224Leu) results in a non-conservative amino acid change in the encoded protein sequence. Five of five in-silico tools predict a damaging effect of the variant on protein function. The variant allele was found at a frequency of 6.1e-05 in 243918 control chromosomes. This frequency does not allow conclusion about variant significance. To our knowledge, no occurrence of c.3671C>T in individuals affected with Porencephaly 1 and no experimental evidence demonstrating its impact on protein function have been reported. ClinVar contains an entry for this variant (Variation ID: 1344677). Based on the evidence outlined above, the variant was classified as uncertain significance.

Yale Center for Mendelian Genomics, Yale University
Classification: Likely pathogenic for Congenital anomaly of kidney and urinary tract. Last evaluated: 2019-06-22. Review status: no assertion criteria provided. Collection method: literature only. Allele origin: germline. Affected: yes. Observed: 1 heterozygote. Study: Yale Center for Mendelian Genomics. Not counted in ClinVar's aggregate classification.

Literature cited by the submitters: PubMed 31230195 (cited by Yale Center for Mendelian Genomics, Yale University).

NM_001845.6(COL4A1):c.3671C>T (p.Pro1224Leu)

Gene: COL4A1 (collagen type IV alpha 1 chain; minus strand). Cytogenetic location: 13q34.
Variant type: single nucleotide variant.
Coding change: c.3671C>T on transcript NM_001845.6 (MANE Select); coding-DNA position 3671, C replaced by T.
Protein change: p.Pro1224Leu; replaces proline 1224 with leucine.
Molecular consequence: missense variant.
Genome position (GRCh38, 1-based): chr13:110,170,618, G>A on the plus strand (C>T on the coding strand, the complement: COL4A1 is on the minus strand). VCF-style: chr13-110170618-G-A. GRCh37 (hg19) VCF-style: chr13-110822965-G-A.
Other names: short protein forms P1224L.
Identifiers: ClinVar variation 1344677 (VCV001344677.9), dbSNP rs775810147, ClinGen allele CA7047180.